The following is an entry in ClinVar:

ClinVar aggregate classification (germline): Uncertain significance. Review status: criteria provided, multiple submitters, no conflicts (2 of 4 stars). 4 submissions from 4 submitters: Uncertain significance (4). Last evaluated 2025-10-28.

Conditions:
Hereditary cancer-predisposing syndrome. Also called: Hereditary Cancer Syndrome; Tumor predisposition; Hereditary neoplastic syndrome; Neoplastic Syndromes, Hereditary. Identifiers: Orphanet 140162, MedGen C0027672, MeSH D009386, MONDO:0015356.
Multiple endocrine neoplasia, type 1 (MEN1). Also called: MEN I; MEA I; WERMER SYNDROME; Endocrine adenomatosis multiple; MEN 1. Identifiers: Orphanet 652, MedGen C0025267, MeSH D018761, MONDO:0007540, OMIM 131100.

Submissions (4):

Labcorp Genetics (formerly Invitae), Labcorp
Classification: Uncertain significance for Multiple endocrine neoplasia, type 1. Last evaluated: 2025-10-28. Review status: criteria provided, single submitter. Criteria: Invitae Variant Classification Sherloc (09022015). Collection method: clinical testing. Allele origin: germline.
Comment: This sequence change replaces histidine, which is basic and polar, with aspartic acid, which is acidic and polar, at codon 328 of the MEN1 protein (p.His328Asp). This variant is not present in population databases (gnomAD no frequency). This variant has not been reported in the literature in individuals affected with MEN1-related conditions. ClinVar contains an entry for this variant (Variation ID: 198613). Invitae Evidence Modeling of protein sequence and biophysical properties (such as structural, functional, and spatial information, amino acid conservation, physicochemical variation, residue mobility, and thermodynamic stability) indicates that this missense variant is expected to disrupt MEN1 protein function with a positive predictive value of 95%. In summary, the available evidence is currently insufficient to determine the role of this variant in disease. Therefore, it has been classified as a Variant of Uncertain Significance.

Ambry Genetics
Classification: Uncertain significance for Hereditary cancer-predisposing syndrome. Last evaluated: 2025-03-03. Review status: criteria provided, single submitter. Criteria: Ambry Variant Classification Scheme 2023. Collection method: clinical testing. Allele origin: germline.
Comment: The p.H328D variant (also known as c.982C>G), located in coding exon 6 of the MEN1 gene, results from a C to G substitution at nucleotide position 982. The histidine at codon 328 is replaced by aspartic acid, an amino acid with similar properties. This amino acid position is highly conserved in available vertebrate species. In addition, this alteration is predicted to be deleterious by in silico analysis. Based on the available evidence, the clinical significance of this variant remains unclear.

Mayo Clinic Laboratories, Mayo Clinic
Classification: Uncertain significance. Last evaluated: 2024-09-30. Review status: criteria provided, single submitter. Criteria: ACMG Guidelines, 2015. Collection method: clinical testing. Allele origin: germline. Observed: 1 variant allele.
Comment: PP3, PP4, PM2_supporting

Eurofins Ntd Llc (ga)
Classification: Uncertain significance. Last evaluated: 2017-11-28. Review status: criteria provided, single submitter. Criteria: EGL Classification Definitions 2015. Collection method: clinical testing. Allele origin: germline. Observed: 1 variant allele, 1 heterozygote.

NM_001370259.2(MEN1):c.982C>G (p.His328Asp)

Gene: MEN1 (menin 1; minus strand). Cytogenetic location: 11q13.1.
Variant type: single nucleotide variant.
Coding change: c.982C>G on transcript NM_001370259.2 (MANE Select); coding-DNA position 982, C replaced by G.
Protein change: p.His328Asp; replaces histidine 328 with aspartic acid.
Molecular consequence: missense variant.
Genome position (GRCh38, 1-based): chr11:64,806,299, G>C on the plus strand (C>G on the coding strand, the complement: MEN1 is on the minus strand). VCF-style: chr11-64806299-G-C. GRCh37 (hg19) VCF-style: chr11-64573771-G-C.
Other names: p.His328Asp; c.997C>G, p.His333Asp (NM_000244.4, NM_130800.3, NM_130801.3 and 3 more transcripts); c.982C>G, p.His328Asp (NM_001370251.2, NM_001370260.2, NM_001370261.2 and 1 more transcripts); c.877C>G, p.His293Asp (NM_001370262.2, NM_001370263.2); short protein forms H328D, H333D, H293D.
Identifiers: ClinVar variation 198613 (VCV000198613.14), dbSNP rs794727882, ClinGen allele CA009664.